The following is an entry in ClinVar:

NM_004364.5(CEBPA):c.964G>A (p.Asp322Asn)

Gene: CEBPA (CCAAT enhancer binding protein alpha; minus strand). Cytogenetic location: 19q13.11.
Variant type: single nucleotide variant.
Coding change: c.964G>A on transcript NM_004364.5 (MANE Select); coding-DNA position 964, G replaced by A.
Protein change: p.Asp322Asn; replaces aspartic acid 322 with asparagine.
Molecular consequence: missense variant.
Genome position (GRCh38, 1-based): chr19:33,301,451, C>T on the plus strand (G>A on the coding strand, the complement: CEBPA is on the minus strand). VCF-style: chr19-33301451-C-T. GRCh37 (hg19) VCF-style: chr19-33792357-C-T.
Other names: c.1069G>A, p.Asp357Asn (NM_001287424.2); c.922G>A, p.Asp308Asn (NM_001287435.2); c.964G>A (NM_004364.3); c.607G>A, p.Asp203Asn (NM_001285829.2); short protein forms D308N, D322N, D357N, D203N.
Identifiers: ClinVar variation 1477623 (VCV001477623.7), dbSNP rs2145258655, ClinGen allele CA405273820.

ClinVar aggregate classification (germline): Uncertain significance. Review status: criteria provided, multiple submitters, no conflicts (2 of 4 stars). 2 submissions from 2 submitters: Uncertain significance (2). Last evaluated 2025-11-11.

Conditions:
Inborn genetic diseases. Identifiers: MedGen C0950123, MeSH D030342.
Acute myeloid leukemia (AML). Also called: Leukemia, acute myeloid, somatic; Leukemia, acute myelogenous, somatic; Acute myeloid leukemia, adult; AML adult; Acute non-lymphocytic leukemia; Acute granulocytic leukemia. Identifiers: Orphanet 519, MedGen C0023467, MeSH D015470, MONDO:0018874, OMIM 601626, HP:0004808. Disease mechanism: Constitutively activated FLT3.

Submissions (2):

Ambry Genetics
Classification: Uncertain significance for Inborn genetic diseases. Last evaluated: 2025-11-11. Review status: criteria provided, single submitter. Criteria: Ambry Variant Classification Scheme 2023. Collection method: clinical testing. Allele origin: germline.
Comment: The p.D322N variant (also known as c.964G>A), located in coding exon 1 of the CEBPA gene, results from a G to A substitution at nucleotide position 964. The aspartic acid at codon 322 is replaced by asparagine, an amino acid with highly similar properties. This amino acid position is conserved. In addition, this alteration is predicted to be tolerated by in silico analysis. Based on the available evidence, the clinical significance of this variant remains unclear.

Labcorp Genetics (formerly Invitae), Labcorp
Classification: Uncertain significance for Acute myeloid leukemia. Last evaluated: 2021-12-11. Review status: criteria provided, single submitter. Criteria: Invitae Variant Classification Sherloc (09022015). Collection method: clinical testing. Allele origin: germline.
Comment: In summary, the available evidence is currently insufficient to determine the role of this variant in disease. Therefore, it has been classified as a Variant of Uncertain Significance. Algorithms developed to predict the effect of missense changes on protein structure and function are either unavailable or do not agree on the potential impact of this missense change (SIFT: "Deleterious"; PolyPhen-2: "Possibly Damaging"; Align-GVGD: "Class C0"). This variant has not been reported in the literature in individuals affected with CEBPA-related conditions. This variant is not present in population databases (gnomAD no frequency). This sequence change replaces aspartic acid, which is acidic and polar, with asparagine, which is neutral and polar, at codon 322 of the CEBPA protein (p.Asp322Asn).